The following is an entry in ClinVar:

ClinVar aggregate classification (germline): Uncertain significance (1 of 4 stars; one submission).

Conditions:
Retinitis pigmentosa 12 (RP12). Also called: RP WITH OR WITHOUT PPRPE; RP WITH OR WITHOUT PRESERVED PARAARTERIOLE RETINAL PIGMENT EPITHELIUM; RETINITIS PIGMENTOSA WITH OR WITHOUT PARAARTERIOLAR PRESERVATION OF RETINAL PIGMENT EPITHELIUM. Identifiers: Orphanet 791, MedGen C1838647, MONDO:0010818, OMIM 600105.
Leber congenital amaurosis 8 (LCA8). Identifiers: Orphanet 65, MedGen C3151202, MONDO:0013453, OMIM 613835.

Submission:

Labcorp Genetics (formerly Invitae), Labcorp
Classification: Uncertain significance for Leber congenital amaurosis 8; Retinitis pigmentosa 12. Last evaluated: 2024-10-25. Review status: criteria provided, single submitter. Criteria: Invitae Variant Classification Sherloc (09022015). Collection method: clinical testing. Allele origin: germline.
Comment: This sequence change replaces serine, which is neutral and polar, with arginine, which is basic and polar, at codon 732 of the CRB1 protein (p.Ser732Arg). This variant is not present in population databases (gnomAD no frequency). This variant has not been reported in the literature in individuals affected with CRB1-related conditions. ClinVar contains an entry for this variant (Variation ID: 1715783). Invitae Evidence Modeling of protein sequence and biophysical properties (such as structural, functional, and spatial information, amino acid conservation, physicochemical variation, residue mobility, and thermodynamic stability) has been performed for this missense variant. However, the output from this modeling did not meet the statistical confidence thresholds required to predict the impact of this variant on CRB1 protein function. Algorithms developed to predict the effect of sequence changes on RNA splicing suggest that this variant may create or strengthen a splice site. In summary, the available evidence is currently insufficient to determine the role of this variant in disease. Therefore, it has been classified as a Variant of Uncertain Significance.

NM_201253.3(CRB1):c.2196C>G (p.Ser732Arg)

Gene: CRB1 (crumbs cell polarity complex component 1; plus strand). Cytogenetic location: 1q31.3.
Variant type: single nucleotide variant.
Coding change: c.2196C>G on transcript NM_201253.3 (MANE Select); coding-DNA position 2196, C replaced by G.
Protein change: p.Ser732Arg; replaces serine 732 with arginine.
Molecular consequence: missense variant. On other transcripts: non-coding transcript variant (2), intron variant (1).
Genome position (GRCh38, 1-based): chr1:197,427,521, C>G. VCF-style: chr1-197427521-C-G. GRCh37 (hg19) VCF-style: chr1-197396651-C-G.
Other names: c.1860C>G, p.Ser620Arg (NM_001193640.2); c.1989C>G, p.Ser663Arg (NM_001257965.2); c.2128+5565C>G (NM_001257966.2); short protein forms S620R, S663R, S732R.
Identifiers: ClinVar variation 1715783 (VCV001715783.5), dbSNP rs1664647429, ClinGen allele CA344036579.